The following is an entry in ClinVar:

ClinVar aggregate classification (germline): Uncertain significance (1 of 4 stars; one submission).

Submission:

Ambry Genetics
Classification: Uncertain significance. Last evaluated: 2021-12-15. Review status: criteria provided, single submitter. Criteria: Ambry Variant Classification Scheme 2023. Collection method: clinical testing. Allele origin: germline.
Comment: The p.E356V variant (also known as c.1067A>T), located in coding exon 1 of the MLH3 gene, results from an A to T substitution at nucleotide position 1067. The glutamic acid at codon 356 is replaced by valine, an amino acid with dissimilar properties. This amino acid position is conserved. In addition, the in silico prediction for this alteration is inconclusive. Since supporting evidence is limited at this time, the clinical significance of this alteration remains unclear.

NM_001040108.2(MLH3):c.1067A>T (p.Glu356Val)

Gene: MLH3 (mutL homolog 3; minus strand). Cytogenetic location: 14q24.3.
Variant type: single nucleotide variant.
Coding change: c.1067A>T on transcript NM_001040108.2 (MANE Select); coding-DNA position 1067, A replaced by T.
Protein change: p.Glu356Val; replaces glutamic acid 356 with valine.
Molecular consequence: missense variant.
Genome position (GRCh38, 1-based): chr14:75,048,589, T>A on the plus strand (A>T on the coding strand, the complement: MLH3 is on the minus strand). VCF-style: chr14-75048589-T-A. GRCh37 (hg19) VCF-style: chr14-75515292-T-A.
Other names: c.1067A>T, p.Glu356Val (NM_014381.3); short protein forms E356V.
Identifiers: ClinVar variation 1782137 (VCV001782137.2), dbSNP rs1248305541, ClinGen allele CA390447690.